The following is an entry in ClinVar:

ClinVar aggregate classification (germline): Uncertain significance. Review status: criteria provided, multiple submitters, no conflicts (2 of 4 stars). 7 submissions from 5 submitters: Uncertain significance (7). Last evaluated 2026-09-08.

Conditions:
SPG11-related disorder. Also called: SPG11-related condition.
Charcot-Marie-Tooth disease axonal type 2X. Also called: CHARCOT-MARIE-TOOTH DISEASE, AXONAL, AUTOSOMAL RECESSIVE, TYPE 2X; CHARCOT-MARIE-TOOTH NEUROPATHY, TYPE 2X. Identifiers: Orphanet 466775, MedGen C5569024, MONDO:0014726, OMIM 616668.
Hereditary spastic paraplegia 11. Also called: SPASTIC PARAPLEGIA, AUTOSOMAL RECESSIVE, COMPLICATED, WITH THIN CORPUS CALLOSUM; SPASTIC PARAPLEGIA, AUTOSOMAL RECESSIVE, WITH MENTAL IMPAIRMENT AND THIN CORPUS CALLOSUM; Spastic Paraplegia 11; Nakamura Osame syndrome; Autosomal recessive hereditary spastic paraplegia, mental impairment, and thin corpus callosum; Spastic paraplegia, mental retardation and thin corpus callosum. Identifiers: Orphanet 2822, MedGen C1858479, MONDO:0011445, OMIM 604360.
Amyotrophic lateral sclerosis type 5 (ALS5). Also called: AMYOTROPHIC LATERAL SCLEROSIS 5, JUVENILE. Identifiers: Orphanet 300605, MedGen C1865864, MONDO:0011196, OMIM 602099.

Allele frequency attached by ClinVar (database versions not stated): gnomAD below 0.00001 and 0.00002; TOPMed below 0.00001; gnomAD exomes 0.00002; ExAC 0.00003.
gnomAD v4.1: 11 of 1,613,856 alleles (0.00068%); highest among the groups gnomAD compares: South Asian, 0.012%; no homozygotes.

Submissions (7):

PreventionGenetics, part of Exact Sciences
Classification: Uncertain significance for SPG11-related condition. Last evaluated: 2026-09-08. Review status: criteria provided, single submitter. Criteria: ACMG Guidelines, 2015. Collection method: clinical testing. Allele origin: germline.
Comment: The SPG11 c.6347C>G variant is predicted to result in the amino acid substitution p.Thr2116Arg. This variant was reported in an individual with a spastic paraplegia phenotype who was also positive for a second pathogenic variant in SPG11 (phase unknown) (Patient 12, Table 2, Narendiran et al. 2022. PubMed ID: 35499206). This variant is reported in 0.016% of alleles in individuals of South Asian descent in gnomAD. At this time, the clinical significance of this variant is uncertain due to the absence of conclusive functional and genetic evidence.

Labcorp Genetics (formerly Invitae), Labcorp
Classification: Uncertain significance for Hereditary spastic paraplegia 11. Last evaluated: 2021-08-28. Review status: criteria provided, single submitter. Criteria: Invitae Variant Classification Sherloc (09022015). Collection method: clinical testing. Allele origin: germline.
Comment: This sequence change replaces threonine with arginine at codon 2116 of the SPG11 protein (p.Thr2116Arg). The threonine residue is highly conserved and there is a moderate physicochemical difference between threonine and arginine. This variant is present in population databases (rs751929116, ExAC 0.02%). This variant has not been reported in the literature in individuals affected with SPG11-related conditions. Algorithms developed to predict the effect of missense changes on protein structure and function are either unavailable or do not agree on the potential impact of this missense change (SIFT: "Deleterious"; PolyPhen-2: "Probably Damaging"; Align-GVGD: "Class C0"). In summary, the available evidence is currently insufficient to determine the role of this variant in disease. Therefore, it has been classified as a Variant of Uncertain Significance.

CeGaT Center for Human Genetics Tuebingen
Classification: Uncertain significance. Last evaluated: 2019-04-01. Review status: criteria provided, single submitter. Criteria: CeGaT Center For Human Genetics Tuebingen Variant Classification Criteria Version 2. Collection method: clinical testing. Allele origin: germline. Affected: yes. Observed: 1 variant allele.

Genome-Nilou Lab
Classification: Uncertain significance for Amyotrophic lateral sclerosis type 5. Review status: criteria provided, single submitter. Criteria: ACMG Guidelines, 2015. Collection method: clinical testing. Allele origin: germline.

Genome-Nilou Lab
Classification: Uncertain significance for Charcot-Marie-Tooth disease axonal type 2X. Review status: criteria provided, single submitter. Criteria: ACMG Guidelines, 2015. Collection method: clinical testing. Allele origin: germline.

Genome-Nilou Lab
Classification: Uncertain significance for Hereditary spastic paraplegia 11. Review status: criteria provided, single submitter. Criteria: ACMG Guidelines, 2015. Collection method: clinical testing. Allele origin: germline.

Neuberg Centre For Genomic Medicine, NCGM
Classification: Uncertain significance for Hereditary spastic paraplegia 11. Review status: criteria provided, single submitter. Criteria: ACMG Guidelines, 2015. Collection method: clinical testing. Allele origin: germline. Inheritance: Autosomal recessive inheritance. Affected: yes.
Comment: The missense c.6347C>G(p.Thr2116Arg) variant in SPG11 gene has not been reported previously as a pathogenic variant nor a benign variant, to our knowledge. The p.Thr2116Arg variant has been reported with allele frequency of 0.002% in gnomAD Exomes and is novel (not in any individuals) in 1000 Genomes. This variant has been reported to the ClinVar database as Uncertain Significance. The amino acid change p.Thr2116Arg in SPG11 is predicted as conserved by GERP++ and PhyloP across 100 vertebrates. The amino acid Thr at position 2116 is changed to a Arg changing protein sequence and it might alter its composition and physico-chemical properties. For these reasons, this variant has been classified as a Variant of Uncertain Significance (VUS).

NM_025137.4(SPG11):c.6347C>G (p.Thr2116Arg)

Gene: SPG11 (SPG11 vesicle trafficking associated, spatacsin; minus strand). Cytogenetic location: 15q21.1.
Variant type: single nucleotide variant.
Coding change: c.6347C>G on transcript NM_025137.4 (MANE Select); coding-DNA position 6347, C replaced by G.
Protein change: p.Thr2116Arg; replaces threonine 2116 with arginine.
Molecular consequence: missense variant.
Genome position (GRCh38, 1-based): chr15:44,570,655, G>C on the plus strand (C>G on the coding strand, the complement: SPG11 is on the minus strand). VCF-style: chr15-44570655-G-C. GRCh37 (hg19) VCF-style: chr15-44862853-G-C.
Other names: c.6008C>G, p.Thr2003Arg (NM_001160227.2); short protein forms T2116R, T2003R.
Identifiers: ClinVar variation 466554 (VCV000466554.49), dbSNP rs751929116, ClinGen allele CA7534153.
Genomic context (GRCh38, chr15:44,570,655, plus strand): 5'-ATGATGCCCTCCATGTGGCACGTCAGGGTGAAGCAATGATGGGCCAGGATCAGGAGCTCT[G>C]TGGCTGGGAGGGTGGGCACTGGTAAGATAAGATTATGAACCCTGGCTGCCCACTGTCAAC-3'
Protein context (NP_079413.3, residues 2106-2126): SVPHGELSCT[Thr2116Arg]ELLILAHHCF